The following is an entry in ClinVar:

NM_001038.6(SCNN1A):c.875+1G>A

Gene: SCNN1A (sodium channel epithelial 1 subunit alpha; minus strand). Cytogenetic location: 12p13.31.
Variant type: single nucleotide variant.
Coding change: c.875+1G>A on transcript NM_001038.6 (MANE Select); the canonical splice donor site of the intron after coding-DNA position 875, G replaced by A.
Molecular consequence: splice donor variant.
Genome position (GRCh38, 1-based): chr12:6,362,050, C>T on the plus strand (G>A on the coding strand, the complement: SCNN1A is on the minus strand). VCF-style: chr12-6362050-C-T. GRCh37 (hg19) VCF-style: chr12-6471216-C-T.
Other names: c.944+1G>A (NM_001159575.2); c.1052+1G>A (NM_001159576.2).
Identifiers: ClinVar variation 450202 (VCV000450202.12), dbSNP rs142439390, ClinGen allele CA6406085.

ClinVar aggregate classification (germline): Pathogenic/Likely pathogenic. Review status: criteria provided, multiple submitters, no conflicts (2 of 4 stars). 5 submissions from 5 submitters: Pathogenic (4); Likely pathogenic (1). Last evaluated 2024-03-21.

Conditions:
Pseudohypoaldosteronism, type IB1, autosomal recessive. Also called: Autosomal recessive pseudohypoaldosteronism type 1; Pseudohypoaldosteronism, Type I, Autosomal Recessive; PHA I, AUTOSOMAL RECESSIVE; Pseudohypoaldosteronism, Type I, Recessive. Identifiers: Orphanet 171876, Orphanet 756, MedGen C5774176, MONDO:0009917, OMIM 264350.
Bronchiectasis with or without elevated sweat chloride 2 (BESC2). Identifiers: Orphanet 60033, MedGen C2751666, MONDO:0013087, OMIM 613021.
Liddle syndrome 3. Identifiers: MedGen C4748292, MONDO:0029132, OMIM 618126.

Allele frequency attached by ClinVar (database versions not stated): gnomAD exomes below 0.00001; ExAC 0.00001; gnomAD 0.00001; TOPMed 0.00002; ESP Exome Variant Server 0.00008.
gnomAD v4.1: 2 of 1,613,944 alleles (0.00012%); highest among the groups gnomAD compares: African/African-American, 0.0013%; no homozygotes.

Submissions (5):

Fulgent Genetics
Classification: Pathogenic for Pseudohypoaldosteronism, type IB1, autosomal recessive; Bronchiectasis with or without elevated sweat chloride 2; Liddle syndrome 3. Last evaluated: 2024-03-21. Review status: criteria provided, single submitter. Criteria: ACMG Guidelines, 2015. Collection method: clinical testing. Allele origin: germline.

Genomic Medicine Center of Excellence, King Faisal Specialist Hospital and Research Centre
Classification: Pathogenic for Pseudohypoaldosteronism, type IB1, autosomal recessive. Last evaluated: 2023-05-08. Review status: criteria provided, single submitter. Criteria: ACMG Guidelines, 2015. Collection method: research. Allele origin: germline. Affected: yes.

Labcorp Genetics (formerly Invitae), Labcorp
Classification: Likely pathogenic. Last evaluated: 2019-02-07. Review status: criteria provided, single submitter. Criteria: Invitae Variant Classification Sherloc (09022015). Collection method: clinical testing. Allele origin: germline.
Comment: In summary, the currently available evidence indicates that the variant is pathogenic, but additional data are needed to prove that conclusively. Therefore, this variant has been classified as Likely Pathogenic. Donor and acceptor splice site variants typically lead to a loss of protein function (PMID: 16199547), and loss-of-function variants in SCNN1A are known to be pathogenic (PMID: 10403853, 23416952). This variant has not been reported in the literature in individuals with SCNN1A-related disease. The frequency data for this variant in the population databases is considered unreliable, as metrics indicate poor data quality at this position in the ExAC database. This sequence change affects a donor splice site in intron 4 of the SCNN1A gene. It is expected to disrupt RNA splicing and likely results in an absent or disrupted protein product.

GeneDx
Classification: Pathogenic. Last evaluated: 2017-06-28. Review status: criteria provided, single submitter. Criteria: GeneDx Variant Classification (06012015). Collection method: clinical testing. Allele origin: germline. Affected: yes.
Comment: The c.875+1G>A variant in the SCNN1A gene has not been reported previously as a pathogenic variant nor as a benign variant, to our knowledge. This splice site variant destroys the canonical splice donor site in intron 4. It is predicted to cause abnormal gene splicing, either leading to an abnormal message that is subject to nonsense-mediated mRNA decay, or to an abnormal protein product if the message is used for protein translation. The c.875+1G>A variant is not observed at a significant frequency in large population cohorts (Lek et al., 2016; 1000 Genomes Consortium et al., 2015; Exome Variant Server). We interpret c.875+1G>A as a pathogenic variant.

ARUP Laboratories, Molecular Genetics and Genomics, ARUP Laboratories
Classification: Pathogenic. Review status: criteria provided, single submitter. Criteria: ARUP Molecular Germline Variant Investigation Process 2024. Collection method: clinical testing. Allele origin: germline.
Comment: The SCNN1A c.875+1G>A variant is reported in the literature in multiple individuals affected with Pseudohypoaldosteronism (Gao 2023, Zhu 2020). This variant is found in the general population with an overall allele frequency of 0.000007 (2/282776 alleles) in the Genome Aggregation Database (v2.1.1). This variant disrupts the canonical splice donor site of intron 4, which is likely to negatively impact gene function. Based on available information, this variant is considered to be pathogenic.

Literature cited by the submitters: PubMed 16199547 (cited by Labcorp Genetics (formerly Invitae), Labcorp); PubMed 10403853 (cited by Labcorp Genetics (formerly Invitae), Labcorp); PubMed 23416952 (cited by Labcorp Genetics (formerly Invitae), Labcorp).